The following is an entry in ClinVar:

ClinVar aggregate classification (germline): Likely pathogenic (1 of 4 stars; one submission).

Conditions:
Usher syndrome type 2A. Also called: RETINAL DISEASE IN USHER SYNDROME TYPE IIA, MODIFIER OF; USHER SYNDROME, TYPE IIA. Identifiers: Orphanet 231178, Orphanet 886, MedGen C1848634, MONDO:0010169, OMIM 276901.

Submission:

Institute of Rare Diseases, West China Hospital, Sichuan University
Classification: Likely pathogenic for Usher syndrome type 2A. Last evaluated: 2025-01-09. Review status: criteria provided, single submitter. Criteria: ClinGen HL ACMG Specifications v1. Collection method: research. Allele origin: germline. Affected: yes.
Comment: PVS1;PM2_Supporting

NM_206933.4(USH2A):c.15385C>T (p.Gln5129Ter)

Gene: USH2A (usherin; minus strand). Cytogenetic location: 1q41.
Variant type: single nucleotide variant.
Coding change: c.15385C>T on transcript NM_206933.4 (MANE Select); coding-DNA position 15385, C replaced by T.
Protein change: p.Gln5129Ter; replaces glutamine 5129 with a stop codon.
Molecular consequence: nonsense.
Genome position (GRCh38, 1-based): chr1:215,628,948, G>A on the plus strand (C>T on the coding strand, the complement: USH2A is on the minus strand). VCF-style: chr1-215628948-G-A. GRCh37 (hg19) VCF-style: chr1-215802290-G-A.
Other names: short protein forms Q5129*.
Identifiers: ClinVar variation 3601035 (VCV003601035.1).
Genomic context (GRCh38, chr1:215,628,948, plus strand): 5'-TGAGCTGGCTGACGCTGCGGTGAAGAGAACCCTGGGAGTAGGTTAGGCTGGTTTGGTTTT[G>A]ACTCGGGATGCGCAGGACACATGCACTCCGGTTGCTGCGGATACTCACAGGTGTCCCAGA-3'